The following is an entry in ClinVar:

ClinVar aggregate classification (germline): Likely benign (1 of 4 stars; one submission).

Allele frequency attached by ClinVar (database versions not stated): ExAC 0.00007; gnomAD 0.00007; 1000 Genomes Project 30x 0.00016; 1000 Genomes Project 0.00020; gnomAD exomes 0.00002; TOPMed 0.00006.
gnomAD v4.1: 34 of 1,583,390 alleles (0.0021%); highest among the groups gnomAD compares: Middle Eastern, 0.033%; no homozygotes.

Submission:

CeGaT Center for Human Genetics Tuebingen
Classification: Likely benign. Last evaluated: 2023-01-01. Review status: criteria provided, single submitter. Criteria: CeGaT Center For Human Genetics Tuebingen Variant Classification Criteria Version 2. Collection method: clinical testing. Allele origin: germline. Affected: yes. Observed: 1 variant allele.
Comment: ZNF407: BP4, BP7

NM_017757.3(ZNF407):c.5793C>T (p.Pro1931=)

Gene: ZNF407 (zinc finger protein 407; plus strand). Cytogenetic location: 18q22.3.
Variant type: single nucleotide variant.
Coding change: c.5793C>T on transcript NM_017757.3 (MANE Select); coding-DNA position 5793, C replaced by T.
Protein change: p.Pro1931=; no amino-acid change (proline 1931 retained).
Molecular consequence: synonymous variant.
Genome position (GRCh38, 1-based): chr18:75,063,514, C>T. VCF-style: chr18-75063514-C-T. GRCh37 (hg19) VCF-style: chr18-72775470-C-T.
Other names: c.5793C>T, p.Pro1931= (NM_001384475.1).
Identifiers: ClinVar variation 2648809 (VCV002648809.24), dbSNP rs576552908, ClinGen allele CA9001221.